The following is an entry in ClinVar:

ClinVar aggregate classification (germline): Uncertain significance (1 of 4 stars; one submission).

Conditions:
Myofibrillar myopathy 4. Also called: Zaspopathy (type). Identifiers: Orphanet 98912, MedGen C4721886, MONDO:0012277, OMIM 609452.

Allele frequency attached by ClinVar (database versions not stated): gnomAD exomes below 0.00001.
gnomAD v4.1: 1 of 1,614,156 alleles (0.000062%); highest among the groups gnomAD compares: South Asian, 0.0011%; no homozygotes.

Submission:

Labcorp Genetics (formerly Invitae), Labcorp
Classification: Uncertain significance for Myofibrillar myopathy 4. Last evaluated: 2023-10-27. Review status: criteria provided, single submitter. Criteria: Invitae Variant Classification Sherloc (09022015). Collection method: clinical testing. Allele origin: germline.
Comment: This sequence change replaces proline, which is neutral and non-polar, with arginine, which is basic and polar, at codon 34 of the LDB3 protein (p.Pro34Arg). This variant is not present in population databases (gnomAD no frequency). This variant has not been reported in the literature in individuals affected with LDB3-related conditions. An algorithm developed to predict the effect of missense changes on protein structure and function (PolyPhen-2) suggests that this variant is likely to be disruptive. In summary, the available evidence is currently insufficient to determine the role of this variant in disease. Therefore, it has been classified as a Variant of Uncertain Significance.

NM_007078.3(LDB3):c.101C>G (p.Pro34Arg)

Gene: LDB3 (LIM domain binding 3; plus strand). Cytogenetic location: 10q23.2.
Variant type: single nucleotide variant.
Coding change: c.101C>G on transcript NM_007078.3 (MANE Select); coding-DNA position 101, C replaced by G.
Protein change: p.Pro34Arg; replaces proline 34 with arginine.
Molecular consequence: missense variant.
Genome position (GRCh38, 1-based): chr10:86,679,374, C>G. VCF-style: chr10-86679374-C-G. GRCh37 (hg19) VCF-style: chr10-88439131-C-G.
Other names: c.101C>G, p.Pro34Arg (NM_001080114.2, NM_001080115.2, NM_001080116.1 and 8 more transcripts); short protein forms P34R.
Identifiers: ClinVar variation 2772123 (VCV002772123.3), dbSNP rs2492563180, ClinGen allele CA377451019.